The following is an entry in ClinVar:

NM_006563.5(KLF1):c.321G>T (p.Pro107=)

Gene: KLF1 (KLF transcription factor 1; minus strand). Cytogenetic location: 19p13.13.
Variant type: single nucleotide variant.
Coding change: c.321G>T on transcript NM_006563.5 (MANE Select); coding-DNA position 321, G replaced by T.
Protein change: p.Pro107=; no amino-acid change (proline 107 retained).
Molecular consequence: synonymous variant.
Genome position (GRCh38, 1-based): chr19:12,885,909, C>A on the plus strand (G>T on the coding strand, the complement: KLF1 is on the minus strand). VCF-style: chr19-12885909-C-A. GRCh37 (hg19) VCF-style: chr19-12996723-C-A.
Identifiers: ClinVar variation 3615012 (VCV003615012.2).

ClinVar aggregate classification (germline): Uncertain significance (1 of 4 stars; one submission).

gnomAD v4.1: 4 of 1,551,730 alleles (0.00026%); highest among the groups gnomAD compares: African/African-American, 0.0014%; no homozygotes.

Submission:

Labcorp Genetics (formerly Invitae), Labcorp
Classification: Uncertain significance. Last evaluated: 2025-10-18. Review status: criteria provided, single submitter. Criteria: Invitae Variant Classification Sherloc (09022015). Collection method: clinical testing. Allele origin: germline.
Comment: This sequence change affects codon 107 of the KLF1 mRNA. It is a 'silent' change, meaning that it does not change the encoded amino acid sequence of the KLF1 protein. This variant is not present in population databases (gnomAD no frequency). This variant has not been reported in the literature in individuals affected with KLF1-related conditions. ClinVar contains an entry for this variant (Variation ID: 3615012). Algorithms developed to predict the effect of sequence changes on RNA splicing suggest that this variant may create or strengthen a splice site. In summary, the available evidence is currently insufficient to determine the role of this variant in disease. Therefore, it has been classified as a Variant of Uncertain Significance.